The following is an entry in ClinVar:

NM_002016.2(FLG):c.9539C>A (p.Ser3180Ter)

Genes: CCDST (cervical cancer associated DHX9 suppressive transcript; plus strand), FLG (filaggrin; minus strand). Cytogenetic location: 1q21.3.
Variant type: single nucleotide variant.
Coding change: c.9539C>A on transcript NM_002016.2 (MANE Select); coding-DNA position 9539, C replaced by A.
Protein change: p.Ser3180Ter; replaces serine 3180 with a stop codon.
Molecular consequence: nonsense.
Genome position (GRCh38, 1-based): chr1:152,305,347, G>T on the plus strand (C>A on the coding strand, the complement: FLG is on the minus strand). VCF-style: chr1-152305347-G-T. GRCh37 (hg19) VCF-style: chr1-152277823-G-T.
Other names: short protein forms S3180*.
Identifiers: ClinVar variation 1326583 (VCV001326583.3), dbSNP rs747040656, ClinGen allele CA342077607.
Genomic context (GRCh38, chr1:152,305,347, plus strand): 5'-CCCTGGACTGCCTGTGAGTGTCTAGAGATGTCGGCATGAGTGGAAGCTTCATGGTGACGT[G>T]ACACTGAGTGCCTGGAGCTGTCTCCTGATTGTTCCTCATTACGTGTTGTTCTGCTTGCAC-3'

ClinVar aggregate classification (germline): Pathogenic (1 of 4 stars; one submission).

Submission:

GeneDx
Classification: Pathogenic. Last evaluated: 2024-08-16. Review status: criteria provided, single submitter. Criteria: GeneDx Variant Classification Process June 2021. Collection method: clinical testing. Allele origin: germline. Affected: yes.
Comment: Nonsense variant in the C-terminus predicted to result in protein truncation, as the last 882 amino acids are lost, and other loss-of-function variants have been reported downstream in the Human Gene Mutation Database (HGMD); Not observed at significant frequency in large population cohorts (gnomAD); Has not been previously published as pathogenic or benign to our knowledge; This variant is associated with the following publications: (PMID: 16444271)